The following is an entry in ClinVar:

ClinVar aggregate classification (germline): Uncertain significance (1 of 4 stars; one submission).

Submission:

Labcorp Genetics (formerly Invitae), Labcorp
Classification: Uncertain significance. Last evaluated: 2025-09-08. Review status: criteria provided, single submitter. Criteria: Invitae Variant Classification Sherloc (09022015). Collection method: clinical testing. Allele origin: germline.
Comment: This sequence change replaces glycine, which is neutral and non-polar, with cysteine, which is neutral and slightly polar, at codon 516 of the CFI protein (p.Gly516Cys). This variant is not present in population databases (gnomAD no frequency). This variant has not been reported in the literature in individuals affected with CFI-related conditions. Invitae Evidence Modeling of protein sequence and biophysical properties (such as structural, functional, and spatial information, amino acid conservation, physicochemical variation, residue mobility, and thermodynamic stability) indicates that this missense variant is expected to disrupt CFI protein function with a positive predictive value of 80%. Algorithms developed to predict the effect of sequence changes on RNA splicing suggest that this variant may disrupt the consensus splice site. In summary, the available evidence is currently insufficient to determine the role of this variant in disease. Therefore, it has been classified as a Variant of Uncertain Significance.

NM_000204.5(CFI):c.1546G>T (p.Gly516Cys)

Gene: CFI (complement factor I; minus strand). Cytogenetic location: 4q25.
Variant type: single nucleotide variant.
Coding change: c.1546G>T on transcript NM_000204.5 (MANE Select); coding-DNA position 1546, G replaced by T.
Protein change: p.Gly516Cys; replaces glycine 516 with cysteine.
Molecular consequence: missense variant. On other transcripts: 3 prime UTR variant (2), non-coding transcript variant (3), intron variant (7).
Genome position (GRCh38, 1-based): chr4:109,741,099, C>A on the plus strand (G>T on the coding strand, the complement: CFI is on the minus strand). VCF-style: chr4-109741099-C-A. GRCh37 (hg19) VCF-style: chr4-110662255-C-A.
Other names: c.1570G>T, p.Gly524Cys (NM_001318057.2); c.1525G>T, p.Gly509Cys (NM_001331035.2); c.1489G>T, p.Gly497Cys (NM_001375283.1); c.937G>T, p.Gly313Cys (NM_001375284.1); c.1567G>T, p.Gly523Cys (NM_001440986.1); c.*246G>T (NM_001440989.1, NM_001440991.1); c.1513+1392G>T (NM_001375282.1, NM_001375280.1); c.1534+1392G>T (NM_001375281.1, NM_001375279.1); and 2 more; short protein forms G497C, G516C, G509C, G523C, G313C, G524C.
Identifiers: ClinVar variation 4743333 (VCV004743333.1).